The following is an entry in ClinVar:

ClinVar aggregate classification (germline): Likely benign (1 of 4 stars; one submission).

Allele frequency attached by ClinVar (database versions not stated): 1000 Genomes Project 30x 0.00109; 1000 Genomes Project 0.00120; TOPMed 0.00195; ESP Exome Variant Server 0.00231; gnomAD exomes 0.00286; gnomAD 0.00303; ExAC 0.00373.
gnomAD v4.1: 4,639 of 1,614,172 alleles (0.29%); highest among the groups gnomAD compares: Non-Finnish European, 0.28%; 17 homozygotes.

Submission:

CeGaT Center for Human Genetics Tuebingen
Classification: Likely benign. Last evaluated: 2022-07-01. Review status: criteria provided, single submitter. Criteria: CeGaT Center For Human Genetics Tuebingen Variant Classification Criteria Version 2. Collection method: clinical testing. Allele origin: germline. Affected: yes. Observed: 1 variant allele.
Comment: RHBDF1: BP4, BP7

NM_022450.5(RHBDF1):c.1773C>T (p.Asp591=)

Gene: RHBDF1 (rhomboid 5 homolog 1; minus strand). Cytogenetic location: 16p13.3.
Variant type: single nucleotide variant.
Coding change: c.1773C>T on transcript NM_022450.5 (MANE Select); coding-DNA position 1773, C replaced by T.
Protein change: p.Asp591=; no amino-acid change (aspartic acid 591 retained).
Molecular consequence: synonymous variant.
Genome position (GRCh38, 1-based): chr16:59,776, G>A on the plus strand (C>T on the coding strand, the complement: RHBDF1 is on the minus strand). VCF-style: chr16-59776-G-A. GRCh37 (hg19) VCF-style: chr16-109774-G-A.
Identifiers: ClinVar variation 2645767 (VCV002645767.24), dbSNP rs149163157, ClinGen allele CA7768087.